The following is an entry in ClinVar:

ClinVar aggregate classification (germline): Benign (1 of 4 stars; one submission).

Conditions:
Amyotrophic lateral sclerosis type 10 (ALS10). Also called: AMYOTROPHIC LATERAL SCLEROSIS 10 WITHOUT FRONTOTEMPORAL DEMENTIA AND WITH TDP43 INCLUSIONS; AMYOTROPHIC LATERAL SCLEROSIS 10 WITH OR WITHOUT FRONTOTEMPORAL DEMENTIA AND WITH TDP43 INCLUSIONS; AMYOTROPHIC LATERAL SCLEROSIS 10 WITH OR WITHOUT FRONTOTEMPORAL DEMENTIA; TARDBP-Related Amyotrophic Lateral Sclerosis-Frontotemporal Dementia; Amyotrophic lateral sclerosis 10, with or without FTD. Identifiers: Orphanet 275872, Orphanet 803, MedGen C2677565, MONDO:0012790, OMIM 612069.

Allele frequency attached by ClinVar (database versions not stated): TOPMed 0.00051; gnomAD 0.00053 and 0.00054; 1000 Genomes Project 0.00060; gnomAD exomes 0.00070; 1000 Genomes Project 30x 0.00094.
gnomAD v4.1: 87 of 162,818 alleles (0.053%); highest among the groups gnomAD compares: Non-Finnish European, 0.1%; no homozygotes.

Submission:

Illumina Laboratory Services, Illumina
Classification: Benign for Amyotrophic lateral sclerosis type 10. Last evaluated: 2018-01-12. Review status: criteria provided, single submitter. Criteria: ICSL Variant Classification Criteria 13 December 2019. Collection method: clinical testing. Allele origin: germline.
Comment: This variant was observed in the ICSL laboratory as part of a predisposition screen in an ostensibly healthy population. It had not been previously curated by ICSL or reported in the Human Gene Mutation Database (HGMD: prior to June 1st, 2018), and was therefore a candidate for classification through an automated scoring system. Utilizing variant allele frequency, disease prevalence and penetrance estimates, and inheritance mode, an automated score was calculated to assess if this variant is too frequent to cause the disease. Based on the score and internal cut-off values, a variant classified as benign is not then subjected to further curation. The score for this variant resulted in a classification of benign for this disease.

NM_007375.4(TARDBP):c.*1081C>T

Gene: TARDBP (TAR DNA binding protein; plus strand). Cytogenetic location: 1p36.22.
Variant type: single nucleotide variant.
Coding change: c.*1081C>T on transcript NM_007375.4 (MANE Select); 1081 bases downstream of the stop codon, C replaced by T.
Molecular consequence: 3 prime UTR variant.
Genome position (GRCh38, 1-based): chr1:11,023,735, C>T. VCF-style: chr1-11023735-C-T. GRCh37 (hg19) VCF-style: chr1-11083792-C-T.
Identifiers: ClinVar variation 291751 (VCV000291751.5), dbSNP rs184303021, ClinGen allele CA10607423.
Genomic context (GRCh38, chr1:11,023,735, plus strand): 5'-TTTGTTCTTAGATAACCCACATTAGATGAATGTGTTAAGTGAAATGATACTTGTACTCCC[C>T]CTACCCCTTTGTCAACTGCTGTGAATGCTGTATGGTGTGTGTTCTCTTCTGTTACTGATA-3'